The following is an entry in ClinVar:

NM_006767.4(LZTR1):c.281A>G (p.Asp94Gly)

Gene: LZTR1 (leucine zipper like post translational regulator 1; plus strand). Cytogenetic location: 22q11.21.
Variant type: single nucleotide variant.
Coding change: c.281A>G on transcript NM_006767.4 (MANE Select); coding-DNA position 281, A replaced by G.
Protein change: p.Asp94Gly; replaces aspartic acid 94 with glycine.
Molecular consequence: missense variant.
Genome position (GRCh38, 1-based): chr22:20,985,858, A>G. VCF-style: chr22-20985858-A-G. GRCh37 (hg19) VCF-style: chr22-21340147-A-G.
Other names: short protein forms D94G.
Identifiers: ClinVar variation 3018254 (VCV003018254.3), dbSNP rs2147959777, ClinGen allele CA410778823.
Genomic context (GRCh38, chr22:20,985,858, plus strand): 5'-GTAGACCTGGCTAATGCCACCCTCTCTTCCGGCTGCCTTTCAGGAAGACCATGCTCAATG[A>G]CCTCCTGCGGTTCGATGTGAAAGACTGCTCCTGGTGCAGGTGGGTGGCCCCGTGCTCCAG-3'
Protein context (NP_006758.2, residues 84-104): GGDNGKTMLN[Asp94Gly]LLRFDVKDCS

ClinVar aggregate classification (germline): Uncertain significance (1 of 4 stars; one submission).

Submission:

Labcorp Genetics (formerly Invitae), Labcorp
Classification: Uncertain significance. Last evaluated: 2023-11-24. Review status: criteria provided, single submitter. Criteria: Invitae Variant Classification Sherloc (09022015). Collection method: clinical testing. Allele origin: germline.
Comment: This sequence change replaces aspartic acid, which is acidic and polar, with glycine, which is neutral and non-polar, at codon 94 of the LZTR1 protein (p.Asp94Gly). This variant is not present in population databases (gnomAD no frequency). This variant has not been reported in the literature in individuals affected with LZTR1-related conditions. Advanced modeling of protein sequence and biophysical properties (such as structural, functional, and spatial information, amino acid conservation, physicochemical variation, residue mobility, and thermodynamic stability) performed at Invitae indicates that this missense variant is not expected to disrupt LZTR1 protein function with a negative predictive value of 80%. In summary, the available evidence is currently insufficient to determine the role of this variant in disease. Therefore, it has been classified as a Variant of Uncertain Significance.